The following is an entry in ClinVar:

ClinVar aggregate classification (germline): Conflicting classifications of pathogenicity. Review status: criteria provided, conflicting classifications (1 of 4 stars). 3 submissions from 3 submitters: Uncertain significance (1); Likely benign (1). 1 of the submissions does not count toward it. Last evaluated 2026-01-26.

Conditions:
RECQL-related disorder. Also called: RECQL-related condition.

Submissions (3):

Labcorp Genetics (formerly Invitae), Labcorp
Classification: Likely benign. Last evaluated: 2026-01-26. Review status: criteria provided, single submitter. Criteria: Invitae Variant Classification Sherloc (09022015). Collection method: clinical testing. Allele origin: germline.

GeneDx
Classification: Uncertain significance. Last evaluated: 2024-08-12. Review status: criteria provided, single submitter. Criteria: GeneDx Variant Classification Process June 2021. Collection method: clinical testing. Allele origin: germline. Affected: yes.
Comment: Has not been previously published as pathogenic or benign to our knowledge; In silico analysis is inconclusive as to whether the variant alters gene splicing. In the absence of RNA/functional studies, the actual effect of this sequence change is unknown.; Variants in candidate genes are classified as variants of uncertain significance in accordance with ACMG guidelines (PMID: 25741868)

PreventionGenetics, part of Exact Sciences
Classification: Likely benign for RECQL-related condition. Last evaluated: 2022-09-26. Review status: no assertion criteria provided. Collection method: clinical testing. Allele origin: germline. Not counted in ClinVar's aggregate classification.
Comment: This variant is classified as likely benign based on ACMG/AMP sequence variant interpretation guidelines (Richards et al. 2015 PMID: 25741868, with internal and published modifications).

NM_002907.4(RECQL):c.701-10_701-7del

Gene: RECQL (RecQ like helicase; minus strand). Cytogenetic location: 12p12.1.
Variant type: Microsatellite.
Coding change: c.701-10_701-7del on transcript NM_002907.4 (MANE Select); 10 bases into the intron before coding-DNA position 701 through 7 bases into the intron before coding-DNA position 701, 4 bases deleted (GTTT; older notation c.701-10_701-7delGTTT).
Molecular consequence: intron variant.
Genome position (GRCh38, 1-based): chr12:21,477,976-21,477,979, AAAC deleted on the plus strand (GTTT on the coding strand, the reverse complement: RECQL is on the minus strand); deleting any 4 consecutive bases within chr12:21,477,976-21,477,986 gives the same sequence; the c. name uses the placement nearest the transcript's 3' end. VCF-style (leftmost placement, unchanged base first): chr12-21477975-AAAAC-A. GRCh37 (hg19) VCF-style: chr12-21630909-AAAAC-A.
Other names: c.701-10_701-7del (NM_032941.3); c.701-10_701-7delGTTT (NM_002907.3).
Identifiers: ClinVar variation 1455125 (VCV001455125.13), dbSNP rs770192412, ClinGen allele CA6478984.